The following is an entry in ClinVar:

ClinVar aggregate classification (germline): Uncertain significance (1 of 4 stars; one submission).

Conditions:
DOCK2 deficiency. Also called: Immunodeficiency 40. Identifiers: Orphanet 447737, MedGen C4225328, MONDO:0014637, OMIM 616433.

Allele frequency attached by ClinVar (database versions not stated): gnomAD exomes 0.00001.
gnomAD v4.1: 7 of 1,613,926 alleles (0.00043%); highest among the groups gnomAD compares: Non-Finnish European, 0.00059%; no homozygotes.

Submission:

Labcorp Genetics (formerly Invitae), Labcorp
Classification: Uncertain significance for DOCK2 deficiency. Last evaluated: 2022-04-12. Review status: criteria provided, single submitter. Criteria: Invitae Variant Classification Sherloc (09022015). Collection method: clinical testing. Allele origin: germline.
Comment: This sequence change replaces asparagine, which is neutral and polar, with isoleucine, which is neutral and non-polar, at codon 1020 of the DOCK2 protein (p.Asn1020Ile). This variant is present in population databases (no rsID available, gnomAD 0.0009%). This variant has not been reported in the literature in individuals affected with DOCK2-related conditions. Algorithms developed to predict the effect of missense changes on protein structure and function (SIFT, PolyPhen-2, Align-GVGD) all suggest that this variant is likely to be tolerated. In summary, the available evidence is currently insufficient to determine the role of this variant in disease. Therefore, it has been classified as a Variant of Uncertain Significance.

NM_004946.3(DOCK2):c.3059A>T (p.Asn1020Ile)

Gene: DOCK2 (dedicator of cytokinesis 2; plus strand). Cytogenetic location: 5q35.1.
Variant type: single nucleotide variant.
Coding change: c.3059A>T on transcript NM_004946.3 (MANE Select); coding-DNA position 3059, A replaced by T.
Protein change: p.Asn1020Ile; replaces asparagine 1020 with isoleucine.
Molecular consequence: missense variant. On other transcripts: non-coding transcript variant (1).
Genome position (GRCh38, 1-based): chr5:169,996,151, A>T. VCF-style: chr5-169996151-A-T. GRCh37 (hg19) VCF-style: chr5-169423155-A-T.
Other names: short protein forms N1020I.
Identifiers: ClinVar variation 2143278 (VCV002143278.1), dbSNP rs1194609493, ClinGen allele CA362102977.